The following is an entry in ClinVar:

ClinVar aggregate classification (germline): Uncertain significance (1 of 4 stars; one submission).

gnomAD v4.1: 5 of 1,553,370 alleles (0.00032%); highest among the groups gnomAD compares: Non-Finnish European, 0.00017%; no homozygotes.

Submission:

Labcorp Genetics (formerly Invitae), Labcorp
Classification: Uncertain significance. Last evaluated: 2025-06-06. Review status: criteria provided, single submitter. Criteria: Invitae Variant Classification Sherloc (09022015). Collection method: clinical testing. Allele origin: germline.
Comment: This sequence change affects a donor splice site in intron 28 of the CACNA2D4 gene. It is expected to disrupt RNA splicing. Variants that disrupt the donor or acceptor splice site typically lead to a loss of protein function (PMID: 16199547), however the current clinical and genetic evidence is not sufficient to establish whether loss-of-function variants in CACNA2D4 cause disease. This variant is not present in population databases (gnomAD no frequency). This variant has not been reported in the literature in individuals affected with CACNA2D4-related conditions. ClinVar contains an entry for this variant (Variation ID: 3702345). Algorithms developed to predict the effect of sequence changes on RNA splicing suggest that this variant may disrupt the consensus splice site. In summary, the available evidence is currently insufficient to determine the role of this variant in disease. Therefore, it has been classified as a Variant of Uncertain Significance.

Literature cited by the submitters: PubMed 16199547.

NM_172364.5(CACNA2D4):c.2658+1G>A

Gene: CACNA2D4 (calcium voltage-gated channel auxiliary subunit alpha2delta 4; minus strand). Cytogenetic location: 12p13.33.
Variant type: single nucleotide variant.
Coding change: c.2658+1G>A on transcript NM_172364.5 (MANE Select); the canonical splice donor site of the intron after coding-DNA position 2658, G replaced by A.
Molecular consequence: splice donor variant.
Genome position (GRCh38, 1-based): chr12:1,810,542, C>T on the plus strand (G>A on the coding strand, the complement: CACNA2D4 is on the minus strand). VCF-style: chr12-1810542-C-T. GRCh37 (hg19) VCF-style: chr12-1919708-C-T.
Identifiers: ClinVar variation 3702345 (VCV003702345.2).
Genomic context (GRCh38, chr12:1,810,542, plus strand): 5'-GGAGGACCGGGCGGAGGGCCATGGCTCCCTCCTCCACCTTCCTCACACGGGCAGAACTTA[C>T]ACTGTCCTCGCAGCTCTGTGTGCACGGCCCATCCACAGTGCTGCACTGGAAGGAAGAGGA-3'